The following is an entry in ClinVar:

ClinVar aggregate classification (germline): Uncertain significance. Review status: criteria provided, multiple submitters, no conflicts (2 of 4 stars). 3 submissions from 3 submitters: Uncertain significance (3). Last evaluated 2026-01-06.

Conditions:
Congenital myotonia, autosomal dominant form (THD). Also called: THOMSEN DISEASE; Myotonia congenita autosomal dominant. Identifiers: Orphanet 614, MedGen C2936781, MONDO:0008055, OMIM 160800.
Congenital myotonia, autosomal recessive form. Also called: Becker Generalized Myotonia; BECKER DISEASE; myotonia congenita, autosomal recessive. Identifiers: Orphanet 614, MedGen C0751360, MONDO:0009715, OMIM 255700.

Allele frequency attached by ClinVar (database versions not stated): TOPMed 0.00002.
gnomAD v4.1: 50 of 1,613,544 alleles (0.0031%); highest among the groups gnomAD compares: Non-Finnish European, 0.004%; no homozygotes.

Submissions (3):

Labcorp Genetics (formerly Invitae), Labcorp
Classification: Uncertain significance for Congenital myotonia, autosomal recessive form; Congenital myotonia, autosomal dominant form. Last evaluated: 2026-01-06. Review status: criteria provided, single submitter. Criteria: Invitae Variant Classification Sherloc (09022015). Collection method: clinical testing. Allele origin: germline.
Comment: This sequence change replaces methionine, which is neutral and non-polar, with isoleucine, which is neutral and non-polar, at codon 250 of the CLCN1 protein (p.Met250Ile). This variant is present in population databases (rs754934082, gnomAD 0.007%). This variant has not been reported in the literature in individuals affected with CLCN1-related conditions. ClinVar contains an entry for this variant (Variation ID: 531744). Invitae Evidence Modeling of protein sequence and biophysical properties (such as structural, functional, and spatial information, amino acid conservation, physicochemical variation, residue mobility, and thermodynamic stability) has been performed for this missense variant. However, the output from this modeling did not meet the statistical confidence thresholds required to predict the impact of this variant on CLCN1 protein function. In summary, the available evidence is currently insufficient to determine the role of this variant in disease. Therefore, it has been classified as a Variant of Uncertain Significance.

GeneDx
Classification: Uncertain significance. Last evaluated: 2024-03-27. Review status: criteria provided, single submitter. Criteria: GeneDx Variant Classification Process June 2021. Collection method: clinical testing. Allele origin: germline.
Comment: Not observed at significant frequency in large population cohorts (gnomAD); In silico analysis supports that this missense variant does not alter protein structure/function; Has not been previously published as pathogenic or benign to our knowledge

Revvity Omics, Revvity
Classification: Uncertain significance. Last evaluated: 2022-04-01. Review status: criteria provided, single submitter. Criteria: ACMG Guidelines, 2015. Collection method: clinical testing. Allele origin: germline.

NM_000083.3(CLCN1):c.750G>A (p.Met250Ile)

Gene: CLCN1 (chloride voltage-gated channel 1; plus strand). Cytogenetic location: 7q34.
Variant type: single nucleotide variant.
Coding change: c.750G>A on transcript NM_000083.3 (MANE Select); coding-DNA position 750, G replaced by A.
Protein change: p.Met250Ile; replaces methionine 250 with isoleucine.
Molecular consequence: missense variant. On other transcripts: non-coding transcript variant (1).
Genome position (GRCh38, 1-based): chr7:143,323,362, G>A. VCF-style: chr7-143323362-G-A. GRCh37 (hg19) VCF-style: chr7-143020455-G-A.
Other names: short protein forms M250I.
Identifiers: ClinVar variation 531744 (VCV000531744.9), dbSNP rs754934082, ClinGen allele CA4537069.
Genomic context (GRCh38, chr7:143,323,362, plus strand): 5'-CTCCCAGGGCCCCTTCGTCCACATTGCCAGCATCTGTGCTGCTGTCCTCAGCAAATTCAT[G>A]TCTGTGTTCTGCGGGGTATATGAGGTAAGGTTGAGACAGTGAAATGAGCTGGGGCCAGGT-3'
Protein context (NP_000074.3, residues 240-260): SICAAVLSKF[Met250Ile]SVFCGVYEQP